The following is an entry in ClinVar:

ClinVar aggregate classification (germline): Uncertain significance (1 of 4 stars; one submission).

Conditions:
Chromosome 2q32-q33 deletion syndrome (GLASS). Also called: Glass syndrome; 2q33.1 deletion syndrome. Identifiers: Orphanet 251019, MedGen C2676739, MONDO:0012864, OMIM 612313.

Submission:

Labcorp Genetics (formerly Invitae), Labcorp
Classification: Uncertain significance for Chromosome 2q32-q33 deletion syndrome. Last evaluated: 2024-01-10. Review status: criteria provided, single submitter. Criteria: Invitae Variant Classification Sherloc (09022015). Collection method: clinical testing. Allele origin: germline.
Comment: This sequence change replaces lysine, which is basic and polar, with arginine, which is basic and polar, at codon 464 of the SATB2 protein (p.Lys464Arg). This variant is not present in population databases (gnomAD no frequency). This variant has not been reported in the literature in individuals affected with SATB2-related conditions. Advanced modeling of protein sequence and biophysical properties (such as structural, functional, and spatial information, amino acid conservation, physicochemical variation, residue mobility, and thermodynamic stability) performed at Invitae indicates that this missense variant is not expected to disrupt SATB2 protein function with a negative predictive value of 80%. Algorithms developed to predict the effect of sequence changes on RNA splicing suggest that this variant may create or strengthen a splice site. In summary, the available evidence is currently insufficient to determine the role of this variant in disease. Therefore, it has been classified as a Variant of Uncertain Significance.

NM_001172509.2(SATB2):c.1391A>G (p.Lys464Arg)

Gene: SATB2 (SATB homeobox 2; minus strand). Cytogenetic location: 2q33.1.
Variant type: single nucleotide variant.
Coding change: c.1391A>G on transcript NM_001172509.2 (MANE Select); coding-DNA position 1391, A replaced by G.
Protein change: p.Lys464Arg; replaces lysine 464 with arginine.
Molecular consequence: missense variant.
Genome position (GRCh38, 1-based): chr2:199,323,954, T>C on the plus strand (A>G on the coding strand, the complement: SATB2 is on the minus strand). VCF-style: chr2-199323954-T-C. GRCh37 (hg19) VCF-style: chr2-200188677-T-C.
Other names: c.1391A>G, p.Lys464Arg (NM_001172517.1, NM_015265.4); short protein forms K464R.
Identifiers: ClinVar variation 2708669 (VCV002708669.3), dbSNP rs2468861142, ClinGen allele CA350385416.
Genomic context (GRCh38, chr2:199,323,954, plus strand): 5'-GTGATGTTGATGTTGGCGCCGTCCACCTTAATAGGGAGGTCTGTTGTCGGTGTCGAGGTT[T>C]TGGCCTACCAAGAGACCATGAAAATAATAATTTAAAAAGTGCTGCATTCAGCCCAGCCAT-3'
Protein context (NP_001165980.1, residues 454-474): SPSSSRTPQA[Lys464Arg]TSTPTTDLPI